The following is an entry in ClinVar:

NM_000465.4(BARD1):c.420G>T (p.Lys140Asn)

Gene: BARD1 (BRCA1 associated RING domain 1; minus strand). Cytogenetic location: 2q35.
Variant type: single nucleotide variant.
Coding change: c.420G>T on transcript NM_000465.4 (MANE Select); coding-DNA position 420, G replaced by T.
Protein change: p.Lys140Asn; replaces lysine 140 with asparagine.
Molecular consequence: missense variant. On other transcripts: intron variant (3), non-coding transcript variant (2).
Genome position (GRCh38, 1-based): chr2:214,781,454, C>A on the plus strand (G>T on the coding strand, the complement: BARD1 is on the minus strand). VCF-style: chr2-214781454-C-A. GRCh37 (hg19) VCF-style: chr2-215646178-C-A.
Other names: c.158+27958G>T (NM_001282548.2); c.215+15607G>T (NM_001282545.2); c.364+10843G>T (NM_001282549.2); c.363G>T, p.Lys121Asn (NM_001282543.2); short protein forms K140N, K121N.
Identifiers: ClinVar variation 479118 (VCV000479118.16), dbSNP rs758749603, ClinGen allele CA2090426.

ClinVar aggregate classification (germline): Conflicting classifications of pathogenicity. Review status: criteria provided, conflicting classifications (1 of 4 stars). 3 submissions from 3 submitters: Uncertain significance (2); Likely benign (1). Last evaluated 2024-12-09.

Conditions:
Hereditary cancer-predisposing syndrome. Also called: Neoplastic Syndromes, Hereditary; Hereditary Cancer Syndrome; Hereditary neoplastic syndrome; Tumor predisposition. Identifiers: Orphanet 140162, MedGen C0027672, MeSH D009386, MONDO:0015356.
Familial cancer of breast. Also called: BREAST CANCER, FAMILIAL; hereditary breast carcinoma; Hereditary breast cancer. Identifiers: Orphanet 227535, MedGen C0346153, MONDO:0016419, OMIM 114480. Disease mechanism: loss of function.

Allele frequency attached by ClinVar (database versions not stated): gnomAD exomes below 0.00001; TOPMed below 0.00001; ExAC 0.00001; gnomAD 0.00001.
gnomAD v4.1: 3 of 1,612,904 alleles (0.00019%); highest among the groups gnomAD compares: Admixed American, 0.0017%; no homozygotes.

Submissions (3):

Labcorp Genetics (formerly Invitae), Labcorp
Classification: Uncertain significance for Familial cancer of breast. Last evaluated: 2024-12-09. Review status: criteria provided, single submitter. Criteria: Invitae Variant Classification Sherloc (09022015). Collection method: clinical testing. Allele origin: germline.
Comment: This sequence change replaces lysine, which is basic and polar, with asparagine, which is neutral and polar, at codon 140 of the BARD1 protein (p.Lys140Asn). This variant is present in population databases (rs758749603, gnomAD 0.0009%). This variant has not been reported in the literature in individuals affected with BARD1-related conditions. ClinVar contains an entry for this variant (Variation ID: 479118). An algorithm developed to predict the effect of missense changes on protein structure and function (PolyPhen-2) suggests that this variant is likely to be disruptive. Experimental studies have shown that this missense change affects BARD1 function (PMID: 28976962). In summary, the available evidence is currently insufficient to determine the role of this variant in disease. Therefore, it has been classified as a Variant of Uncertain Significance.

Ambry Genetics
Classification: Likely benign for Hereditary cancer-predisposing syndrome. Last evaluated: 2024-10-15. Review status: criteria provided, single submitter. Criteria: Ambry Variant Classification Scheme 2023. Collection method: clinical testing. Allele origin: germline.

Color Diagnostics, LLC DBA Color Health
Classification: Uncertain significance for Hereditary cancer-predisposing syndrome. Last evaluated: 2019-04-01. Review status: criteria provided, single submitter. Criteria: ACMG Guidelines, 2015. Collection method: clinical testing. Allele origin: germline.

Literature cited by the submitters: PubMed 28976962 (cited by Labcorp Genetics (formerly Invitae), Labcorp); PubMed 30925164 (cited by Ambry Genetics).